The following is an entry in ClinVar:

ClinVar aggregate classification (germline): Likely benign (1 of 4 stars; one submission).

Allele frequency attached by ClinVar (database versions not stated): ESP Exome Variant Server 0.00008; gnomAD exomes 0.00126; ExAC 0.00276; 1000 Genomes Project 30x 0.00453; 1000 Genomes Project 0.00519.
gnomAD v4.1: 1,912 of 1,606,350 alleles (0.12%); highest among the groups gnomAD compares: South Asian, 2%; 31 homozygotes.

Submission:

GeneDx
Classification: Likely benign. Last evaluated: 2022-01-02. Review status: criteria provided, single submitter. Criteria: GeneDx Variant Classification Process June 2021. Collection method: clinical testing. Allele origin: germline. Affected: yes.
Comment: See Variant Classification Assertion Criteria.

NM_002979.5(SCP2):c.332-23A>G

Gene: SCP2 (sterol carrier protein 2; plus strand). Cytogenetic location: 1p32.3.
Variant type: single nucleotide variant.
Coding change: c.332-23A>G on transcript NM_002979.5 (MANE Select); 23 bases into the intron before coding-DNA position 332, A replaced by G.
Molecular consequence: intron variant.
Genome position (GRCh38, 1-based): chr1:52,954,717, A>G. VCF-style: chr1-52954717-A-G. GRCh37 (hg19) VCF-style: chr1-53420389-A-G.
Other names: c.200-23A>G (NM_001193600.2, NM_001007098.3); c.260-23A>G (NM_001193599.2); c.89-23A>G (NM_001193617.2); c.332-23A>G (NM_001330587.2).
Identifiers: ClinVar variation 1705002 (VCV001705002.2), dbSNP rs376418700, ClinGen allele CA857082.